The following is an entry in ClinVar:

NM_000243.3(MEFV):c.1996A>T (p.Ile666Phe)

Genes: MEFV (MEFV innate immunity regulator, pyrin; minus strand), LOC126862264 (CDK7 strongly-dependent group 2 enhancer GRCh37_chr16:3293322-3294521; plus strand). Cytogenetic location: 16p13.3.
Variant type: single nucleotide variant.
Coding change: c.1996A>T on transcript NM_000243.3 (MANE Select); coding-DNA position 1996, A replaced by T.
Protein change: p.Ile666Phe; replaces isoleucine 666 with phenylalanine.
Molecular consequence: missense variant. On other transcripts: 3 prime UTR variant (1).
Genome position (GRCh38, 1-based): chr16:3,243,491, T>A on the plus strand (A>T on the coding strand, the complement: MEFV is on the minus strand). VCF-style: chr16-3243491-T-A. GRCh37 (hg19) VCF-style: chr16-3293491-T-A.
Other names: c.*200A>T (NM_001198536.2); c.1996A>T (NM_000243.2); short protein forms I666F.
Identifiers: ClinVar variation 811766 (VCV000811766.12), dbSNP rs387907566, ClinGen allele CA7859885.

ClinVar aggregate classification (germline): Conflicting classifications of pathogenicity. Review status: criteria provided, conflicting classifications (1 of 4 stars). 7 submissions from 5 submitters: Uncertain significance (4); Likely benign (2). 1 of the submissions does not count toward it. Last evaluated 2023-02-08.

Conditions:
Acute febrile neutrophilic dermatosis (AFND). Also called: Sweet Syndrome; Gomm Button disease. Identifiers: Orphanet 3243, MedGen C0085077, MONDO:0011959, OMIM 608068.
Familial Mediterranean fever (FMF). Also called: POLYSEROSITIS, FAMILIAL PAROXYSMAL; POLYSEROSITIS, RECURRENT; Periodic peritonitis; Benign paroxysmal peritonitis. Identifiers: Orphanet 342, MedGen C0031069, MONDO:0018088, OMIM 249100. Disease mechanism: gain of function.
Familial Mediterranean fever, autosomal dominant. Also called: Dominant Familial Mediterranean Fever; FMF, AUTOSOMAL DOMINANT. Identifiers: Orphanet 342, MedGen C1851347, MONDO:0007601, OMIM 134610.

Allele frequency attached by ClinVar (database versions not stated): gnomAD exomes 0.00003 and 0.00007; ExAC 0.00007; TOPMed 0.00003.
gnomAD v4.1: 20 of 1,614,036 alleles (0.0012%); highest among the groups gnomAD compares: Admixed American, 0.033%; no homozygotes.

Submissions (7):

Genome-Nilou Lab
Classification: Uncertain significance for Familial Mediterranean fever. Last evaluated: 2023-02-08. Review status: criteria provided, single submitter. Criteria: ACMG Guidelines, 2015. Collection method: clinical testing. Allele origin: germline.

Genome-Nilou Lab
Classification: Likely benign for Familial Mediterranean fever, autosomal dominant. Last evaluated: 2023-02-08. Review status: criteria provided, single submitter. Criteria: ACMG Guidelines, 2015. Collection method: clinical testing. Allele origin: germline.

Genome-Nilou Lab
Classification: Likely benign for Acute febrile neutrophilic dermatosis. Last evaluated: 2023-02-08. Review status: criteria provided, single submitter. Criteria: ACMG Guidelines, 2015. Collection method: clinical testing. Allele origin: germline.

Labcorp Genetics (formerly Invitae), Labcorp
Classification: Uncertain significance for Familial Mediterranean fever. Last evaluated: 2022-03-26. Review status: criteria provided, single submitter. Criteria: Invitae Variant Classification Sherloc (09022015). Collection method: clinical testing. Allele origin: germline.
Comment: This sequence change replaces isoleucine, which is neutral and non-polar, with phenylalanine, which is neutral and non-polar, at codon 666 of the MEFV protein (p.Ile666Phe). This variant is present in population databases (rs387907566, gnomAD 0.04%). This variant has not been reported in the literature in individuals affected with MEFV-related conditions. ClinVar contains an entry for this variant (Variation ID: 811766). Algorithms developed to predict the effect of missense changes on protein structure and function are either unavailable or do not agree on the potential impact of this missense change (SIFT: "Tolerated"; PolyPhen-2: "Possibly Damaging"; Align-GVGD: "Class C0"). In summary, the available evidence is currently insufficient to determine the role of this variant in disease. Therefore, it has been classified as a Variant of Uncertain Significance.

Fulgent Genetics
Classification: Uncertain significance for Familial Mediterranean fever, autosomal dominant; Familial Mediterranean fever; Acute febrile neutrophilic dermatosis. Last evaluated: 2021-07-04. Review status: criteria provided, single submitter. Criteria: ACMG Guidelines, 2015. Collection method: clinical testing. Allele origin: unknown.

ARUP Laboratories, Molecular Genetics and Genomics, ARUP Laboratories
Classification: Uncertain significance. Last evaluated: 2018-09-28. Review status: criteria provided, single submitter. Criteria: ARUP Molecular Germline Variant Investigation Process. Collection method: clinical testing. Allele origin: germline.
Comment: The MEFV c.1996A>T; p.Ile666Phe variant (rs387907566) is reported in the medical literature in an individual with familial Mediterranean fever who also carried an additional pathogenic variant (Oztuzcu 2014). However, the variant is also provisionally described as likely benign in a gene-specific database (see link below). The variant is listed in the ClinVar database (Variation ID: 56147) and in the general population with an overall allele frequency of 0.006%(16/246250 alleles) in the Genome Aggregation Database. The isoleucine at this position is moderately conserved and computational analyses (SIFT: Tolerated, PolyPhen-2: Possibly Damaging) predict conflicting effects of this variant on protein structure/function. Considering available information, the clinical significance of this variant cannot be determined with certainty. References: Link to Infevers database: Oztuzcu S et al. Screening of common and novel familial mediterranean fever mutations in south-east part of Turkey. Mol Biol Rep. 2014;41(4):2601-7.

Natera, Inc.
Classification: Uncertain significance for Familial Mediterranean fever. Last evaluated: 2020-12-18. Review status: no assertion criteria provided. Collection method: clinical testing. Allele origin: germline. Not counted in ClinVar's aggregate classification.